The following is an entry in ClinVar:

NM_000059.4(BRCA2):c.6857_6859del (p.Lys2286del)

Gene: BRCA2 (BRCA2 DNA repair associated; plus strand). Cytogenetic location: 13q13.1.
Variant type: Deletion.
Coding change: c.6857_6859del on transcript NM_000059.4 (MANE Select); coding-DNA positions 6857 to 6859, 3 bases deleted (AAA; older notation c.6857_6859delAAA).
Protein change: p.Lys2286del; deletes lysine 2286.
Molecular consequence: inframe deletion.
Genome position (GRCh38, 1-based): chr13:32,344,573-32,344,575, AAA deleted; deleting any 3 consecutive bases within chr13:32,344,572-32,344,575 gives the same sequence; the c. name uses the placement nearest the transcript's 3' end. VCF-style (leftmost placement, unchanged base first): chr13-32344571-CAAA-C. GRCh37 (hg19) VCF-style: chr13-32918708-CAAA-C.
Other names: short protein forms K2286del.
Identifiers: ClinVar variation 999117 (VCV000999117.9), dbSNP rs2072597552, ClinGen allele CA2082828244.

ClinVar aggregate classification (germline): Uncertain significance. Review status: criteria provided, multiple submitters, no conflicts (2 of 4 stars). 2 submissions from 2 submitters: Uncertain significance (2). Last evaluated 2026-01-19.

Conditions:
Hereditary cancer-predisposing syndrome. Also called: Neoplastic Syndromes, Hereditary; Tumor predisposition; Hereditary Cancer Syndrome; Hereditary neoplastic syndrome. Identifiers: Orphanet 140162, MedGen C0027672, MeSH D009386, MONDO:0015356.
Hereditary breast ovarian cancer syndrome. Also called: Hereditary breast and ovarian cancer syndrome; Hereditary breast and/or ovarian cancer syndrome; Hereditary breast and ovarian cancer syndrome (HBOC); Breast and ovarian cancer; BRCA1- and BRCA2-Associated Hereditary Breast and Ovarian Cancer; Hereditary breast and ovarian cancer. Identifiers: Orphanet 145, MedGen C0677776, MeSH D061325, MONDO:0003582. Disease mechanism: loss of function.

Submissions (2):

Labcorp Genetics (formerly Invitae), Labcorp
Classification: Uncertain significance for Hereditary breast ovarian cancer syndrome. Last evaluated: 2026-01-19. Review status: criteria provided, single submitter. Criteria: Invitae Variant Classification Sherloc (09022015). Collection method: clinical testing. Allele origin: germline.
Comment: This variant, c.6857_6859del, results in the deletion of 1 amino acid(s) of the BRCA2 protein (p.Lys2286del), but otherwise preserves the integrity of the reading frame. This variant is not present in population databases (gnomAD no frequency). This variant has not been reported in the literature in individuals affected with BRCA2-related conditions. ClinVar contains an entry for this variant (Variation ID: 999117). Experimental studies and prediction algorithms are not available or were not evaluated, and the functional significance of this variant is currently unknown. In summary, the available evidence is currently insufficient to determine the role of this variant in disease. Therefore, it has been classified as a Variant of Uncertain Significance.

Color Diagnostics, LLC DBA Color Health
Classification: Uncertain significance for Hereditary cancer-predisposing syndrome. Last evaluated: 2025-09-09. Review status: criteria provided, single submitter. Criteria: ACMG Guidelines, 2015. Collection method: clinical testing. Allele origin: germline.
Comment: This variant deletes one protein residue, lysine, at codon 2286 in the BRCA2 protein. To our knowledge, functional studies have not been reported for this variant. This variant has not been reported in individuals affected with BRCA2-related disorders in the literature. This variant has not been identified in the general population by the Genome Aggregation Database (gnomAD). The available evidence is insufficient to determine the role of this variant in disease conclusively. Therefore, this variant is classified as a Variant of Uncertain Significance.